The following is an entry in ClinVar:

NM_001387430.1(SH2B1):c.1298G>A (p.Arg433His)

Gene: SH2B1 (SH2B adaptor protein 1; plus strand). Cytogenetic location: 16p11.2.
Variant type: single nucleotide variant.
Coding change: c.1298G>A on transcript NM_001387430.1 (MANE Select); coding-DNA position 1298, G replaced by A.
Protein change: p.Arg433His; replaces arginine 433 with histidine.
Molecular consequence: missense variant.
Genome position (GRCh38, 1-based): chr16:28,869,372, G>A. VCF-style: chr16-28869372-G-A. GRCh37 (hg19) VCF-style: chr16-28880693-G-A.
Other names: c.1298G>A, p.Arg433His (NM_001145795.2, NM_001145796.2, NM_001145797.2 and 4 more transcripts); c.290G>A, p.Arg97His (NM_001308294.2); short protein forms R433H, R97H.
Identifiers: ClinVar variation 3354817 (VCV003354817.1).
Genomic context (GRCh38, chr16:28,869,372, plus strand): 5'-ATCACTCGGAGAGTCTACCCAGCCAGGACCTGCTGCTTGGACCCAGCGAGAGCAATGACC[G>A]CCTGTCGCAGGGTAAGGGTGGAGCCTTAGAGAGCTCGGAGCCTCGGAACCTGCCATGCGG-3'
Protein context (NP_001374359.1, residues 423-443): LLLGPSESND[Arg433His]LSQGAYGGLS

ClinVar aggregate classification (germline): Uncertain significance (0 of 4 stars; one submission).

Conditions:
SH2B1-related disorder. Also called: SH2B1-related condition.

gnomAD v4.1: 25 of 1,613,404 alleles (0.0015%); highest among the groups gnomAD compares: Non-Finnish European, 0.002%; no homozygotes.

Submission:

PreventionGenetics, part of Exact Sciences
Classification: Uncertain significance for SH2B1-related condition. Last evaluated: 2024-06-24. Review status: no assertion criteria provided. Collection method: clinical testing. Allele origin: germline.
Comment: The SH2B1 c.1298G>A variant is predicted to result in the amino acid substitution p.Arg433His. This variant has been reported in the lean control individuals from an obesity study and was not reported in any of the obese individuals (Aerts et al. 2015. PubMed ID: 26031769). This variant is reported in 0.0047% of alleles in individuals of European (Non-Finnish) descent in gnomAD. At this time, the clinical significance of this variant is uncertain due to the absence of conclusive functional and genetic evidence.